The following is an entry in ClinVar:

NM_002294.3(LAMP2):c.815T>C (p.Leu272Pro)

Gene: LAMP2 (lysosome associated membrane protein 2; minus strand). Cytogenetic location: Xq24.
Variant type: single nucleotide variant.
Coding change: c.815T>C on transcript NM_002294.3 (MANE Select); coding-DNA position 815, T replaced by C.
Protein change: p.Leu272Pro; replaces leucine 272 with proline.
Molecular consequence: missense variant.
Genome position (GRCh38, 1-based): chrX:120,446,354, A>G on the plus strand (T>C on the coding strand, the complement: LAMP2 is on the minus strand). VCF-style: chrX-120446354-A-G. GRCh37 (hg19) VCF-style: chrX-119580209-A-G.
Other names: c.815T>C, p.Leu272Pro (NM_001122606.1, NM_013995.2); short protein forms L272P.
Identifiers: ClinVar variation 951218 (VCV000951218.11), dbSNP rs1569369217, ClinGen allele CA414400856.

ClinVar aggregate classification (germline): Uncertain significance. Review status: criteria provided, multiple submitters, no conflicts (2 of 4 stars). 2 submissions from 2 submitters: Uncertain significance (2). Last evaluated 2022-08-29.

Conditions:
Danon disease. Also called: PSEUDOGLYCOGENOSIS II; GSD IIb; LYSOSOMAL GLYCOGEN STORAGE DISEASE WITHOUT ACID MALTASE DEFICIENCY; ANTOPOL DISEASE; Glycogen Storage Disease Type IIb. Identifiers: Orphanet 34587, MedGen C0878677, MONDO:0010281, OMIM 300257.

Submissions (2):

GeneDx
Classification: Uncertain significance. Last evaluated: 2022-08-29. Review status: criteria provided, single submitter. Criteria: GeneDx Variant Classification Process June 2021. Collection method: clinical testing. Allele origin: germline. Affected: yes.
Comment: Not observed at significant frequency in large population cohorts (gnomAD); In silico analysis supports that this missense variant has a deleterious effect on protein structure/function; This variant is associated with the following publications: (PMID: 30959184)

Labcorp Genetics (formerly Invitae), Labcorp
Classification: Uncertain significance for Danon disease. Last evaluated: 2019-10-09. Review status: criteria provided, single submitter. Criteria: Invitae Variant Classification Sherloc (09022015). Collection method: clinical testing. Allele origin: germline.
Comment: In summary, the available evidence is currently insufficient to determine the role of this variant in disease. Therefore, it has been classified as a Variant of Uncertain Significance. Algorithms developed to predict the effect of missense changes on protein structure and function are either unavailable or do not agree on the potential impact of this missense change (SIFT: "Deleterious"; PolyPhen-2: "Probably Damaging"; Align-GVGD: "Class C0"). This variant has been reported in individuals in the Leiden Open-source Variation Database (PMID: 21520333). This variant is not present in population databases (ExAC no frequency). This sequence change replaces leucine with proline at codon 272 of the LAMP2 protein (p.Leu272Pro). The leucine residue is moderately conserved and there is a moderate physicochemical difference between leucine and proline.

Literature cited by the submitters: PubMed 21520333 (cited by Labcorp Genetics (formerly Invitae), Labcorp).